The following is an entry in ClinVar:

NM_020686.6(ABAT):c.419T>C (p.Val140Ala)

Gene: ABAT (4-aminobutyrate aminotransferase; plus strand). Cytogenetic location: 16p13.2.
Variant type: single nucleotide variant.
Coding change: c.419T>C on transcript NM_020686.6 (MANE Select); coding-DNA position 419, T replaced by C.
Protein change: p.Val140Ala; replaces valine 140 with alanine.
Molecular consequence: missense variant.
Genome position (GRCh38, 1-based): chr16:8,764,121, T>C. VCF-style: chr16-8764121-T-C. GRCh37 (hg19) VCF-style: chr16-8857978-T-C.
Other names: c.419T>C, p.Val140Ala (NM_000663.5, NM_001127448.2, NM_001386600.1 and 10 more transcripts); c.284T>C, p.Val95Ala (NM_001386610.1, NM_001386611.1, NM_001386612.1 and 1 more transcripts); c.173T>C, p.Val58Ala (NM_001386614.1); c.515T>C, p.Val172Ala (NM_001386615.1); short protein forms V140A, V172A, V58A, V95A.
Identifiers: ClinVar variation 321070 (VCV000321070.9), dbSNP rs886052429, ClinGen allele CA10648197.

ClinVar aggregate classification (germline): Uncertain significance. Review status: criteria provided, multiple submitters, no conflicts (2 of 4 stars). 2 submissions from 2 submitters: Uncertain significance (2). Last evaluated 2022-07-03.

Conditions:
Gamma-aminobutyric acid transaminase deficiency (GABATD). Also called: GABA aminotransaminase deficiency; GABA transaminase deficiency; Gamma aminobutyrate transaminase deficiency; 4 alpha aminobutyrate transaminase deficiency. Identifiers: Orphanet 2066, MedGen C0342708, MONDO:0013166, OMIM 613163.

Allele frequency attached by ClinVar (database versions not stated): gnomAD 0.00001 and 0.00006; gnomAD exomes 0.00001 and 0.00007; TOPMed 0.00006.
gnomAD v4.1: 111 of 1,613,268 alleles (0.0069%); highest among the groups gnomAD compares: Non-Finnish European, 0.0087%; no homozygotes.

Submissions (2):

Labcorp Genetics (formerly Invitae), Labcorp
Classification: Uncertain significance for Gamma-aminobutyric acid transaminase deficiency. Last evaluated: 2022-07-03. Review status: criteria provided, single submitter. Criteria: Invitae Variant Classification Sherloc (09022015). Collection method: clinical testing. Allele origin: germline.
Comment: This sequence change replaces valine, which is neutral and non-polar, with alanine, which is neutral and non-polar, at codon 140 of the ABAT protein (p.Val140Ala). This variant is present in population databases (no rsID available, gnomAD 0.002%). This variant has not been reported in the literature in individuals affected with ABAT-related conditions. ClinVar contains an entry for this variant (Variation ID: 321070). Algorithms developed to predict the effect of missense changes on protein structure and function (SIFT, PolyPhen-2, Align-GVGD) all suggest that this variant is likely to be tolerated. In summary, the available evidence is currently insufficient to determine the role of this variant in disease. Therefore, it has been classified as a Variant of Uncertain Significance.

Illumina Laboratory Services, Illumina
Classification: Uncertain significance for Gamma-aminobutyric acid transaminase deficiency. Last evaluated: 2018-01-13. Review status: criteria provided, single submitter. Criteria: ICSL Variant Classification Criteria 13 December 2019. Collection method: clinical testing. Allele origin: germline.